The following is an entry in ClinVar:

ClinVar aggregate classification (germline): Likely benign (0 of 4 stars; one submission).

Conditions:
BBS12-related disorder. Also called: BBS12-related condition.

gnomAD v4.1: 18 of 1,613,714 alleles (0.0011%); highest among the groups gnomAD compares: Non-Finnish European, 0.0015%; no homozygotes.

Submission:

PreventionGenetics, part of Exact Sciences
Classification: Likely benign for BBS12-related condition. Last evaluated: 2021-07-12. Review status: no assertion criteria provided. Collection method: clinical testing. Allele origin: germline.
Comment: This variant is classified as likely benign based on ACMG/AMP sequence variant interpretation guidelines (Richards et al. 2015 PMID: 25741868, with internal and published modifications).

NM_152618.3(BBS12):c.75A>T (p.Thr25=)

Gene: BBS12 (Bardet-Biedl syndrome 12; plus strand). Cytogenetic location: 4q27.
Variant type: single nucleotide variant.
Coding change: c.75A>T on transcript NM_152618.3 (MANE Select); coding-DNA position 75, A replaced by T.
Protein change: p.Thr25=; no amino-acid change (threonine 25 retained).
Molecular consequence: synonymous variant.
Genome position (GRCh38, 1-based): chr4:122,741,967, A>T. VCF-style: chr4-122741967-A-T. GRCh37 (hg19) VCF-style: chr4-123663122-A-T.
Other names: c.75A>T, p.Thr25= (NM_001178007.2).
Identifiers: ClinVar variation 3357784 (VCV003357784.1).